The following is an entry in ClinVar:

ClinVar aggregate classification (germline): Uncertain significance (1 of 4 stars; one submission).

gnomAD v4.1: 3 of 1,536,528 alleles (0.0002%); highest among the groups gnomAD compares: Admixed American, 0.0039%; no homozygotes.

Submission:

Ambry Genetics
Classification: Uncertain significance. Last evaluated: 2025-03-18. Review status: criteria provided, single submitter. Criteria: Ambry Variant Classification Scheme 2023. Collection method: clinical testing. Allele origin: germline.
Comment: The c.2387G>C (p.G796A) alteration is located in exon (coding exon ) of the SH3RF3 gene. This alteration results from a G to C substitution at nucleotide position 2387, causing the glycine (G) at amino acid position 796 to be replaced by an alanine (A). Based on insufficient or conflicting evidence, the clinical significance of this alteration remains unclear.

NM_001099289.3(SH3RF3):c.2387G>C (p.Gly796Ala)

Genes: RANBP2 (RAN binding protein 2; plus strand), SH3RF3 (SH3 domain containing ring finger 3; plus strand). Cytogenetic location: 2q13.
Variant type: single nucleotide variant.
Coding change: c.2387G>C on transcript NM_001099289.3 (MANE Select); coding-DNA position 2387, G replaced by C.
Protein change: p.Gly796Ala; replaces glycine 796 with alanine.
Molecular consequence: missense variant.
Genome position (GRCh38, 1-based): chr2:109,490,843, G>C. VCF-style: chr2-109490843-G-C. GRCh37 (hg19) VCF-style: chr2-110107299-G-C.
Other names: short protein forms G796A.
Identifiers: ClinVar variation 3953831 (VCV003953831.1).